The following is an entry in ClinVar:

ClinVar aggregate classification (germline): Benign (0 of 4 stars; one submission).

Conditions:
LHX1-related disorder. Also called: LHX1-related condition.

Allele frequency attached by ClinVar (database versions not stated): gnomAD exomes 0.00237; ExAC 0.00773; ESP Exome Variant Server 0.02238; gnomAD 0.02475; 1000 Genomes Project 0.02696; TOPMed 0.02740; 1000 Genomes Project 30x 0.02826.
gnomAD v4.1: 7,441 of 1,610,742 alleles (0.46%); highest among the groups gnomAD compares: African/African-American, 8.5%; 287 homozygotes.

Submission:

PreventionGenetics, part of Exact Sciences
Classification: Benign for LHX1-related condition. Last evaluated: 2023-11-28. Review status: no assertion criteria provided. Collection method: clinical testing. Allele origin: germline.
Comment: This variant is classified as benign based on ACMG/AMP sequence variant interpretation guidelines (Richards et al. 2015 PMID: 25741868, with internal and published modifications).

NM_005568.5(LHX1):c.1098C>T (p.His366=)

Gene: LHX1 (LIM homeobox 1; plus strand). Cytogenetic location: 17q12.
Variant type: single nucleotide variant.
Coding change: c.1098C>T on transcript NM_005568.5 (MANE Select); coding-DNA position 1098, C replaced by T.
Protein change: p.His366=; no amino-acid change (histidine 366 retained).
Molecular consequence: synonymous variant.
Genome position (GRCh38, 1-based): chr17:36,943,008, C>T. VCF-style: chr17-36943008-C-T. GRCh37 (hg19) VCF-style: chr17-35300305-C-T.
Identifiers: ClinVar variation 3039491 (VCV003039491.2), dbSNP rs75973369, ClinGen allele CA8513858.